The following is an entry in ClinVar:

NM_001031689.3(PLAA):c.430A>G (p.Met144Val)

Gene: PLAA (phospholipase A2 activating protein; minus strand). Cytogenetic location: 9p21.2.
Variant type: single nucleotide variant.
Coding change: c.430A>G on transcript NM_001031689.3 (MANE Select); coding-DNA position 430, A replaced by G.
Protein change: p.Met144Val; replaces methionine 144 with valine.
Molecular consequence: missense variant.
Genome position (GRCh38, 1-based): chr9:26,928,322, T>C on the plus strand (A>G on the coding strand, the complement: PLAA is on the minus strand). VCF-style: chr9-26928322-T-C. GRCh37 (hg19) VCF-style: chr9-26928320-T-C.
Other names: c.430A>G, p.Met144Val (NM_001321546.2); c.430A>G (NM_001031689.2); short protein forms M144V.
Identifiers: ClinVar variation 1409886 (VCV001409886.5), dbSNP rs146197766, ClinGen allele CA5014637.

ClinVar aggregate classification (germline): Uncertain significance. Review status: criteria provided, multiple submitters, no conflicts (2 of 4 stars). 2 submissions from 2 submitters: Uncertain significance (2). Last evaluated 2025-08-15.

Conditions:
Inborn genetic diseases. Identifiers: MedGen C0950123, MeSH D030342.

Allele frequency attached by ClinVar (database versions not stated): ExAC 0.00005; gnomAD exomes 0.00006; TOPMed 0.00015; 1000 Genomes Project 30x 0.00016; gnomAD 0.00016 and 0.00017; 1000 Genomes Project 0.00020; ESP Exome Variant Server 0.00023.

Submissions (2):

Labcorp Genetics (formerly Invitae), Labcorp
Classification: Uncertain significance. Last evaluated: 2025-08-15. Review status: criteria provided, single submitter. Criteria: Invitae Variant Classification Sherloc (09022015). Collection method: clinical testing. Allele origin: germline.
Comment: This sequence change replaces methionine, which is neutral and non-polar, with valine, which is neutral and non-polar, at codon 144 of the PLAA protein (p.Met144Val). This variant is present in population databases (rs146197766, gnomAD 0.07%). This variant has not been reported in the literature in individuals affected with PLAA-related conditions. ClinVar contains an entry for this variant (Variation ID: 1409886). Invitae Evidence Modeling of protein sequence and biophysical properties (such as structural, functional, and spatial information, amino acid conservation, physicochemical variation, residue mobility, and thermodynamic stability) indicates that this missense variant is not expected to disrupt PLAA protein function with a negative predictive value of 80%. In summary, the available evidence is currently insufficient to determine the role of this variant in disease. Therefore, it has been classified as a Variant of Uncertain Significance.

Ambry Genetics
Classification: Uncertain significance for Inborn genetic diseases. Last evaluated: 2024-05-30. Review status: criteria provided, single submitter. Criteria: Ambry Variant Classification Scheme 2023. Collection method: clinical testing. Allele origin: germline.